The following is an entry in ClinVar:

ClinVar aggregate classification (germline): Uncertain significance. Review status: criteria provided, multiple submitters, no conflicts (2 of 4 stars). 2 submissions from 2 submitters: Uncertain significance (2). Last evaluated 2026-01-26.

Conditions:
Cardiovascular phenotype. Identifiers: MedGen CN230736.

gnomAD v4.1: 9 of 1,613,488 alleles (0.00056%); highest among the groups gnomAD compares: Admixed American, 0.013%; no homozygotes.

Submissions (2):

GeneDx
Classification: Uncertain significance. Last evaluated: 2026-01-26. Review status: criteria provided, single submitter. Criteria: GeneDx Variant Classification Process June 2021. Collection method: clinical testing. Allele origin: germline.
Comment: Alters the Kozak sequence, which plays a major role in the initiation of translation; Has not been previously published as pathogenic or benign to our knowledge

Ambry Genetics
Classification: Uncertain significance for Cardiovascular phenotype. Last evaluated: 2025-02-12. Review status: criteria provided, single submitter. Criteria: Ambry Variant Classification Scheme 2023. Collection method: clinical testing. Allele origin: germline.
Comment: The c.-2A>G variant is located in the 5' untranslated region (5&rsquo; UTR) of the EYA4 gene. This variant results from an A to G substitution 2 bases upstream from the first translated codon. This nucleotide position is well conserved in available vertebrate species. Based on the available evidence, the clinical significance of this variant remains unclear.

NM_004100.5(EYA4):c.-2A>G

Gene: EYA4 (EYA transcriptional coactivator and phosphatase 4; plus strand). Cytogenetic location: 6q23.2.
Variant type: single nucleotide variant.
Coding change: c.-2A>G on transcript NM_004100.5 (MANE Select); 2 bases upstream of the start codon, A replaced by G.
Molecular consequence: 5 prime UTR variant.
Genome position (GRCh38, 1-based): chr6:133,274,779, A>G. VCF-style: chr6-133274779-A-G. GRCh37 (hg19) VCF-style: chr6-133595917-A-G.
Other names: c.-2A>G (NM_001301012.2, NM_001301013.2, NM_001370458.1 and 3 more transcripts).
Identifiers: ClinVar variation 3846934 (VCV003846934.3).